The following is an entry in ClinVar:

NM_003172.4(SURF1):c.818_825dup (p.Val276fs)

Gene: SURF1 (SURF1 cytochrome c oxidase assembly factor; minus strand). Cytogenetic location: 9q34.2.
Variant type: Duplication.
Coding change: c.818_825dup on transcript NM_003172.4 (MANE Select); coding-DNA positions 818 to 825, 8 bases duplicated (AGTACATC; older notation c.818_825dupAGTACATC).
Protein change: p.Val276fs; shifts the reading frame from valine 276.
Molecular consequence: frameshift variant.
Genome position (GRCh38, 1-based): chr9:133,352,069-133,352,076, GATGTACT duplicated on the plus strand (AGTACATC on the coding strand, the reverse complement: SURF1 is on the minus strand); duplicating any 8 consecutive bases within chr9:133,352,069-133,352,077 gives the same sequence; the c. name uses the placement nearest the transcript's 3' end. VCF-style (leftmost placement, unchanged base first): chr9-133352068-C-CGATGTACT. GRCh37 (hg19) VCF-style: chr9-136218923-C-CGATGTACT.
Other names: c.491_498dup, p.Val167fs (NM_001280787.1); short protein forms V276fs, V167fs.
Identifiers: ClinVar variation 3643245 (VCV003643245.2).

ClinVar aggregate classification (germline): Pathogenic (1 of 4 stars; one submission).

Conditions:
Leigh syndrome (NULS). Also called: Leigh Syndrome (mtDNA deletion); Leigh's syndrome; Leigh Disease; Subacute necrotizing encephalopathy; Necrotizing encephalopathy infantile subacute of Leigh; Leigh's necrotizing encephalopathy. Identifiers: Orphanet 506, MedGen C2931891, MONDO:0009723, OMIM 256000.

Submission:

Labcorp Genetics (formerly Invitae), Labcorp
Classification: Pathogenic for Leigh syndrome. Last evaluated: 2024-02-25. Review status: criteria provided, single submitter. Criteria: Invitae Variant Classification Sherloc (09022015). Collection method: clinical testing. Allele origin: germline.
Comment: This sequence change creates a premature translational stop signal (p.Val276Serfs*4) in the SURF1 gene. While this is not anticipated to result in nonsense mediated decay, it is expected to disrupt the last 25 amino acid(s) of the SURF1 protein. This variant is not present in population databases (gnomAD no frequency). This variant has not been reported in the literature in individuals affected with SURF1-related conditions. This variant disrupts a region of the SURF1 protein in which other variant(s) (p.Ser282Cysfs*9) have been determined to be pathogenic (PMID: 9837813, 16326995, 18583168, 22488715, 23829769). This suggests that this is a clinically significant region of the protein, and that variants that disrupt it are likely to be disease-causing. For these reasons, this variant has been classified as Pathogenic.

Literature cited by the submitters: PubMed 9837813; PubMed 16326995; PubMed 18583168; PubMed 22488715; PubMed 23829769.